The following is an entry in ClinVar:

NM_001350451.2(RBFOX3):c.110C>A (p.Thr37Asn)

Gene: RBFOX3 (RNA binding fox-1 homolog 3; minus strand). Cytogenetic location: 17q25.3.
Variant type: single nucleotide variant.
Coding change: c.110C>A on transcript NM_001350451.2 (MANE Select); coding-DNA position 110, C replaced by A.
Protein change: p.Thr37Asn; replaces threonine 37 with asparagine.
Molecular consequence: missense variant.
Genome position (GRCh38, 1-based): chr17:79,115,606, G>T on the plus strand (C>A on the coding strand, the complement: RBFOX3 is on the minus strand). VCF-style: chr17-79115606-G-T. GRCh37 (hg19) VCF-style: chr17-77111688-G-T.
Other names: c.110C>A, p.Thr37Asn (NM_001082575.3, NM_001350453.2, NM_001385804.1 and 43 more transcripts); short protein forms T37N.
Identifiers: ClinVar variation 2062780 (VCV002062780.4), dbSNP rs968309201, ClinGen allele CA294804016.

ClinVar aggregate classification (germline): Uncertain significance (1 of 4 stars; one submission).

Conditions:
Idiopathic generalized epilepsy. Also called: EIG; Generalised epilepsy. Identifiers: MedGen C0270850, MONDO:0005579, OMIM 600669.

Allele frequency attached by ClinVar (database versions not stated): TOPMed 0.00001; gnomAD 0.00002.
gnomAD v4.1: 5 of 1,429,358 alleles (0.00035%); highest among the groups gnomAD compares: African/African-American, 0.0044%; no homozygotes.

Submission:

Labcorp Genetics (formerly Invitae), Labcorp
Classification: Uncertain significance for Idiopathic generalized epilepsy. Last evaluated: 2022-06-18. Review status: criteria provided, single submitter. Criteria: Invitae Variant Classification Sherloc (09022015). Collection method: clinical testing. Allele origin: germline.
Comment: In summary, the available evidence is currently insufficient to determine the role of this variant in disease. Therefore, it has been classified as a Variant of Uncertain Significance. Algorithms developed to predict the effect of missense changes on protein structure and function are either unavailable or do not agree on the potential impact of this missense change (SIFT: "Deleterious"; PolyPhen-2: "Benign"; Align-GVGD: "Class C0"). This variant has not been reported in the literature in individuals affected with RBFOX3-related conditions. This variant is present in population databases (no rsID available, gnomAD 0.02%). This sequence change replaces threonine, which is neutral and polar, with asparagine, which is neutral and polar, at codon 37 of the RBFOX3 protein (p.Thr37Asn).